The following is an entry in ClinVar:

NM_001048174.2(MUTYH):c.1312del (p.Pro437_Val438insTer)

Gene: MUTYH (mutY DNA glycosylase; minus strand). Cytogenetic location: 1p34.1.
Variant type: Deletion.
Coding change: c.1312del on transcript NM_001048174.2 (MANE Select); coding-DNA position 1312, one base deleted (G; older notation c.1312delG).
Protein change: p.Pro437_Val438insTer.
Molecular consequence: nonsense. On other transcripts: frameshift variant (19), non-coding transcript variant (2).
Genome position (GRCh38, 1-based): chr1:45,331,262, C deleted on the plus strand (G on the coding strand, the reverse complement: MUTYH is on the minus strand). VCF-style (leftmost placement, unchanged base first): chr1-45331261-AC-A. GRCh37 (hg19) VCF-style: chr1-45796933-AC-A.
Other names: c.1312del, p.Pro437_Val438insTer (NM_001048171.2, NM_001048173.2, NM_001293195.2); c.1315del, p.Pro438_Val439insTer (NM_001048172.2); c.1396del, p.Pro465_Val466insTer (NM_001128425.2); c.1357del, p.Pro452_Val453insTer (NM_001293190.2); c.1345del, p.Pro448_Val449insTer (NM_001293191.2); c.1036del, p.Pro345_Val346insTer (NM_001293192.2, NM_001293196.2); c.967del, p.Pro322_Val323insTer (NM_001350650.2, NM_001350651.2); c.1345delG, p.Val449Terfs (NM_001407069.1, NM_001407077.1); and 10 more.
Identifiers: ClinVar variation 2104911 (VCV002104911.5), dbSNP rs2523915561, ClinGen allele CA2580062908.

ClinVar aggregate classification (germline): Pathogenic/Likely pathogenic. Review status: criteria provided, multiple submitters, no conflicts (2 of 4 stars). 2 submissions from 2 submitters: Pathogenic (1); Likely pathogenic (1). Last evaluated 2024-01-06.

Conditions:
Familial adenomatous polyposis 2. Also called: MUTYH Polyposis; COLORECTAL ADENOMATOUS POLYPOSIS, AUTOSOMAL RECESSIVE; ADENOMAS, MULTIPLE COLORECTAL, AUTOSOMAL RECESSIVE; MUTYH-associated polyposis; MYH-associated polyposis; MUTYH-related attenuated familial adenomatous polyposis. Identifiers: Orphanet 220460, Orphanet 247798, MedGen C3272841, MONDO:0012041, OMIM 608456.

Submissions (2):

Baylor Genetics
Classification: Likely pathogenic for Familial adenomatous polyposis 2. Last evaluated: 2024-01-06. Review status: criteria provided, single submitter. Criteria: ACMG Guidelines, 2015. Collection method: clinical testing. Allele origin: unknown.

Labcorp Genetics (formerly Invitae), Labcorp
Classification: Pathogenic for Familial adenomatous polyposis 2. Last evaluated: 2022-06-08. Review status: criteria provided, single submitter. Criteria: Invitae Variant Classification Sherloc (09022015). Collection method: clinical testing. Allele origin: germline.
Comment: For these reasons, this variant has been classified as Pathogenic. This variant has not been reported in the literature in individuals affected with MUTYH-related conditions. This variant is not present in population databases (gnomAD no frequency). This sequence change creates a premature translational stop signal (p.Val466*) in the MUTYH gene. It is expected to result in an absent or disrupted protein product. Loss-of-function variants in MUTYH are known to be pathogenic (PMID: 18534194, 20663686).

Literature cited by the submitters: PubMed 18534194 (cited by Labcorp Genetics (formerly Invitae), Labcorp); PubMed 20663686 (cited by Labcorp Genetics (formerly Invitae), Labcorp).